The following is an entry in ClinVar:

NM_006618.5(KDM5B):c.2734A>G (p.Ile912Val)

Gene: KDM5B (lysine demethylase 5B; minus strand). Cytogenetic location: 1q32.1.
Variant type: single nucleotide variant.
Coding change: c.2734A>G on transcript NM_006618.5 (MANE Select); coding-DNA position 2734, A replaced by G.
Protein change: p.Ile912Val; replaces isoleucine 912 with valine.
Molecular consequence: missense variant.
Genome position (GRCh38, 1-based): chr1:202,741,578, T>C on the plus strand (A>G on the coding strand, the complement: KDM5B is on the minus strand). VCF-style: chr1-202741578-T-C. GRCh37 (hg19) VCF-style: chr1-202710706-T-C.
Other names: c.2842A>G, p.Ile948Val (NM_001314042.2); c.2599A>G, p.Ile867Val (NM_001347591.2); c.2719A>G, p.Ile907Val (NM_001399817.1); short protein forms I867V, I907V, I912V, I948V.
Identifiers: ClinVar variation 3391762 (VCV003391762.2).

ClinVar aggregate classification (germline): Conflicting classifications of pathogenicity. Review status: criteria provided, conflicting classifications (1 of 4 stars). 2 submissions from 2 submitters: Uncertain significance (1); Likely benign (1). Last evaluated 2025-01-10.

Conditions:
Inborn genetic diseases. Identifiers: MedGen C0950123, MeSH D030342.

Submissions (2):

Ambry Genetics
Classification: Likely benign for Inborn genetic diseases. Last evaluated: 2025-01-10. Review status: criteria provided, single submitter. Criteria: Ambry Variant Classification Scheme 2023. Collection method: clinical testing. Allele origin: germline.

GeneDx
Classification: Uncertain significance. Last evaluated: 2024-06-20. Review status: criteria provided, single submitter. Criteria: GeneDx Variant Classification Process June 2021. Collection method: clinical testing. Allele origin: germline. Affected: yes.
Comment: In silico analysis indicates that this missense variant does not alter protein structure/function; Has not been previously published as pathogenic or benign to our knowledge